The following is an entry in ClinVar:

ClinVar aggregate classification (germline): Conflicting classifications of pathogenicity. Review status: criteria provided, conflicting classifications (1 of 4 stars). 4 submissions from 4 submitters: Uncertain significance (3); Likely benign (1). Last evaluated 2025-08-19.

Conditions:
Hereditary cancer-predisposing syndrome. Also called: Neoplastic Syndromes, Hereditary; Tumor predisposition; Hereditary Cancer Syndrome; Hereditary neoplastic syndrome. Identifiers: Orphanet 140162, MedGen C0027672, MeSH D009386, MONDO:0015356.
Hereditary breast ovarian cancer syndrome. Also called: Hereditary breast and ovarian cancer; Hereditary breast and/or ovarian cancer syndrome; BRCA1- and BRCA2-Associated Hereditary Breast and Ovarian Cancer; Breast and ovarian cancer; Hereditary breast and ovarian cancer syndrome; Hereditary breast and ovarian cancer syndrome (HBOC). Identifiers: Orphanet 145, MedGen C0677776, MeSH D061325, MONDO:0003582. Disease mechanism: loss of function.

Submissions (4):

Color Diagnostics, LLC DBA Color Health
Classification: Uncertain significance for Hereditary cancer-predisposing syndrome. Last evaluated: 2025-08-19. Review status: criteria provided, single submitter. Criteria: ACMG Guidelines, 2015. Collection method: clinical testing. Allele origin: germline.
Comment: This missense variant replaces glutamine with lysine at codon 864 of the BRCA2 protein. Computational prediction suggests that this variant may not impact protein structure and function. To our knowledge, functional studies have not been reported for this variant. This variant has not been reported in individuals affected with BRCA2-related disorders in the literature. This variant has not been identified in the general population by the Genome Aggregation Database (gnomAD). The available evidence is insufficient to determine the role of this variant in disease conclusively. Therefore, this variant is classified as a Variant of Uncertain Significance.

University of Washington Department of Laboratory Medicine, University of Washington
Classification: Likely benign for Hereditary cancer-predisposing syndrome. Last evaluated: 2023-03-23. Review status: criteria provided, single submitter. Criteria: Dines et al. (Genet Med. 2020). Collection method: curation. Allele origin: germline.
Comment: Missense variant in a coldspot region where missense variants are very unlikely to be pathogenic (PMID:31911673).

BRCA2 exon 11 coldspot. Reclassification based on statistical prior probability.

Blueprint Genetics
Classification: Uncertain significance. Last evaluated: 2023-02-13. Review status: criteria provided, single submitter. Criteria: ACMG Guidelines, 2015. Collection method: clinical testing. Allele origin: germline.

Labcorp Genetics (formerly Invitae), Labcorp
Classification: Uncertain significance for Hereditary breast ovarian cancer syndrome. Last evaluated: 2022-04-06. Review status: criteria provided, single submitter. Criteria: Invitae Variant Classification Sherloc (09022015). Collection method: clinical testing. Allele origin: germline.
Comment: ClinVar contains an entry for this variant (Variation ID: 834535). This variant has not been reported in the literature in individuals affected with BRCA2-related conditions. This variant is not present in population databases (gnomAD no frequency). This sequence change replaces glutamine, which is neutral and polar, with lysine, which is basic and polar, at codon 864 of the BRCA2 protein (p.Gln864Lys). Advanced modeling of protein sequence and biophysical properties (such as structural, functional, and spatial information, amino acid conservation, physicochemical variation, residue mobility, and thermodynamic stability) performed at Invitae indicates that this missense variant is not expected to disrupt BRCA2 protein function. In summary, the available evidence is currently insufficient to determine the role of this variant in disease. Therefore, it has been classified as a Variant of Uncertain Significance.

NM_000059.4(BRCA2):c.2590C>A (p.Gln864Lys)

Gene: BRCA2 (BRCA2 DNA repair associated; plus strand). Cytogenetic location: 13q13.1.
Variant type: single nucleotide variant.
Coding change: c.2590C>A on transcript NM_000059.4 (MANE Select); coding-DNA position 2590, C replaced by A.
Protein change: p.Gln864Lys; replaces glutamine 864 with lysine.
Molecular consequence: missense variant.
Genome position (GRCh38, 1-based): chr13:32,336,945, C>A. VCF-style: chr13-32336945-C-A. GRCh37 (hg19) VCF-style: chr13-32911082-C-A.
Other names: short protein forms Q864K.
Identifiers: ClinVar variation 834535 (VCV000834535.12), dbSNP rs1060502414, ClinGen allele CA387772608.